The following is an entry in ClinVar:

ClinVar aggregate classification (germline): Uncertain significance. Review status: criteria provided, multiple submitters, no conflicts (2 of 4 stars). 4 submissions from 3 submitters: Uncertain significance (4). Last evaluated 2024-12-09.

Conditions:
Cardiovascular phenotype. Identifiers: MedGen CN230736.
Hereditary cancer-predisposing syndrome. Also called: Hereditary neoplastic syndrome; Neoplastic Syndromes, Hereditary; Tumor predisposition; Hereditary Cancer Syndrome. Identifiers: Orphanet 140162, MedGen C0027672, MeSH D009386, MONDO:0015356.
Neurofibromatosis, type 1 (NF1). Also called: VON RECKLINGHAUSEN DISEASE; Peripheral type neurofibromatosis; NEUROFIBROMATOSIS, TYPE I, SOMATIC; Neurofibromatosis, type I. Identifiers: Orphanet 636, MedGen C0027831, MONDO:0018975, OMIM 162200. Disease mechanism: loss of function.

Submissions (4):

Labcorp Genetics (formerly Invitae), Labcorp
Classification: Uncertain significance for Neurofibromatosis, type 1. Last evaluated: 2024-12-09. Review status: criteria provided, single submitter. Criteria: Invitae Variant Classification Sherloc (09022015). Collection method: clinical testing. Allele origin: germline.
Comment: This sequence change replaces threonine, which is neutral and polar, with isoleucine, which is neutral and non-polar, at codon 405 of the NF1 protein (p.Thr405Ile). This variant is not present in population databases (gnomAD no frequency). This variant has not been reported in the literature in individuals affected with NF1-related conditions. ClinVar contains an entry for this variant (Variation ID: 480100). Invitae Evidence Modeling of protein sequence and biophysical properties (such as structural, functional, and spatial information, amino acid conservation, physicochemical variation, residue mobility, and thermodynamic stability) has been performed for this missense variant. However, the output from this modeling did not meet the statistical confidence thresholds required to predict the impact of this variant on NF1 protein function. In summary, the available evidence is currently insufficient to determine the role of this variant in disease. Therefore, it has been classified as a Variant of Uncertain Significance.

Genome-Nilou Lab
Classification: Uncertain significance for Neurofibromatosis, type 1. Last evaluated: 2022-03-15. Review status: criteria provided, single submitter. Criteria: ACMG Guidelines, 2015. Collection method: clinical testing. Allele origin: germline. Affected: no.

Ambry Genetics
Classification: Uncertain significance for Cardiovascular phenotype; Hereditary cancer-predisposing syndrome. Last evaluated: 2017-05-17. Review status: criteria provided, single submitter. Criteria: Ambry Variant Classification Scheme 2023. Collection method: clinical testing. Allele origin: germline.

Ambry Genetics
Classification: Uncertain significance for Hereditary cancer-predisposing syndrome. Last evaluated: 2016-02-24. Review status: criteria provided, single submitter. Criteria: Ambry Autosomal Dominant and X-Linked criteria (10/2015). Collection method: clinical testing. Allele origin: germline. Observed: 1 variant allele.
Comment: The p.T405I variant (also known as c.1214C>T), located in coding exon 11 of the NF1 gene, results from a C to T substitution at nucleotide position 1214. The threonine at codon 405 is replaced by isoleucine, an amino acid with similar properties. This variant was not reported in population based cohorts in the following databases: Database of Single Nucleotide Polymorphisms (dbSNP), NHLBI Exome Sequencing Project (ESP), and 1000 Genomes Project. In the ESP, this variant was not observed in 6497 samples (12994 alleles) with coverage at this position. To date, this alteration has been detected with an allele frequency of approximately 0.001% (greater than 110000alleles tested) in our clinical cohort.This amino acid position is highly conserved in available vertebrate species.In addition, the in silico prediction for this alteration is inconclusive.Since supporting evidence is limited at this time, the clinical significance of this alterationremains unclear.

NM_001042492.3(NF1):c.1214C>T (p.Thr405Ile)

Gene: NF1 (neurofibromin 1; plus strand). Cytogenetic location: 17q11.2.
Variant type: single nucleotide variant.
Coding change: c.1214C>T on transcript NM_001042492.3 (MANE Select); coding-DNA position 1214, C replaced by T.
Protein change: p.Thr405Ile; replaces threonine 405 with isoleucine.
Molecular consequence: missense variant.
Genome position (GRCh38, 1-based): chr17:31,201,439, C>T. VCF-style: chr17-31201439-C-T. GRCh37 (hg19) VCF-style: chr17-29528457-C-T.
Other names: c.1214C>T, p.Thr405Ile (NM_000267.4, NM_001128147.3); short protein forms T405I.
Identifiers: ClinVar variation 480100 (VCV000480100.11), dbSNP rs1555611082, ClinGen allele CA398997546.